The following is an entry in ClinVar:

ClinVar aggregate classification (germline): Uncertain significance. Review status: criteria provided, multiple submitters, no conflicts (2 of 4 stars). 4 submissions from 4 submitters: Uncertain significance (4). Last evaluated 2024-12-03.

Conditions:
Immunoskeletal dysplasia with neurodevelopmental abnormalities (ISDNA). Identifiers: MedGen C4479452, MONDO:0044312, OMIM 617425.
Inborn genetic diseases. Identifiers: MedGen C0950123, MeSH D030342.

Allele frequency attached by ClinVar (database versions not stated): TOPMed 0.00006; gnomAD 0.00007; gnomAD exomes 0.00013 and 0.00017; ExAC 0.00028.
gnomAD v4.1: 203 of 1,614,080 alleles (0.013%); highest among the groups gnomAD compares: Non-Finnish European, 0.015%; 1 homozygote.

Submissions (4):

Ambry Genetics
Classification: Uncertain significance for Inborn genetic diseases. Last evaluated: 2024-12-03. Review status: criteria provided, single submitter. Criteria: Ambry Variant Classification Scheme 2023. Collection method: clinical testing. Allele origin: germline.

Blueprint Genetics
Classification: Uncertain significance. Last evaluated: 2024-07-31. Review status: criteria provided, single submitter. Criteria: ACMG Guidelines, 2015. Collection method: clinical testing. Allele origin: germline.

Labcorp Genetics (formerly Invitae), Labcorp
Classification: Uncertain significance. Last evaluated: 2022-08-23. Review status: criteria provided, single submitter. Criteria: Invitae Variant Classification Sherloc (09022015). Collection method: clinical testing. Allele origin: germline.
Comment: This sequence change replaces isoleucine, which is neutral and non-polar, with threonine, which is neutral and polar, at codon 829 of the EXTL3 protein (p.Ile829Thr). This variant is present in population databases (rs756753935, gnomAD 0.03%). This variant has not been reported in the literature in individuals affected with EXTL3-related conditions. ClinVar contains an entry for this variant (Variation ID: 1364782). Algorithms developed to predict the effect of missense changes on protein structure and function are either unavailable or do not agree on the potential impact of this missense change (SIFT: "Tolerated"; PolyPhen-2: "Possibly Damaging"; Align-GVGD: "Class C0"). In summary, the available evidence is currently insufficient to determine the role of this variant in disease. Therefore, it has been classified as a Variant of Uncertain Significance.

Center for Genomics, Ann and Robert H. Lurie Children's Hospital of Chicago
Classification: Uncertain significance for Immunoskeletal dysplasia with neurodevelopmental abnormalities. Last evaluated: 2022-07-15. Review status: criteria provided, single submitter. Criteria: ACMG Guidelines, 2015. Collection method: clinical testing. Allele origin: germline.
Comment: This variant has not been reported in the literature but is present in the Genome Aggregation Database (Highest reported MAF 0.01% (8/68042). This variant is present in ClinVar (Variation ID:1364782). Evolutionary conservation and computational predictive tools suggest that this variant may impact the protein. In summary, data on this variant is insufficient for disease classification. Therefore, the clinical significance of this variant is uncertain.

NM_001440.4(EXTL3):c.2486T>C (p.Ile829Thr)

Gene: EXTL3 (exostosin like glycosyltransferase 3; plus strand). Cytogenetic location: 8p21.1.
Variant type: single nucleotide variant.
Coding change: c.2486T>C on transcript NM_001440.4 (MANE Select); coding-DNA position 2486, T replaced by C.
Protein change: p.Ile829Thr; replaces isoleucine 829 with threonine.
Molecular consequence: missense variant. On other transcripts: non-coding transcript variant (1).
Genome position (GRCh38, 1-based): chr8:28,743,150, T>C. VCF-style: chr8-28743150-T-C. GRCh37 (hg19) VCF-style: chr8-28600667-T-C.
Other names: c.2486T>C (NM_001440.2); short protein forms I829T.
Identifiers: ClinVar variation 1364782 (VCV001364782.7), dbSNP rs756753935, ClinGen allele CA4696440.